The following is an entry in ClinVar:

ClinVar aggregate classification (germline): Uncertain significance (1 of 4 stars; one submission).

Submission:

Labcorp Genetics (formerly Invitae), Labcorp
Classification: Uncertain significance. Last evaluated: 2025-06-12. Review status: criteria provided, single submitter. Criteria: Invitae Variant Classification Sherloc (09022015). Collection method: clinical testing. Allele origin: germline.
Comment: This sequence change replaces methionine, which is neutral and non-polar, with isoleucine, which is neutral and non-polar, at codon 15 of the NDUFA9 protein (p.Met15Ile). This variant is not present in population databases (gnomAD no frequency). This variant has not been reported in the literature in individuals affected with NDUFA9-related conditions. An algorithm developed to predict the effect of missense changes on protein structure and function (PolyPhen-2) suggests that this variant is likely to be tolerated. In summary, the available evidence is currently insufficient to determine the role of this variant in disease. Therefore, it has been classified as a Variant of Uncertain Significance.

NM_005002.5(NDUFA9):c.45G>A (p.Met15Ile)

Gene: NDUFA9 (NADH:ubiquinone oxidoreductase subunit A9; plus strand). Cytogenetic location: 12p13.32.
Variant type: single nucleotide variant.
Coding change: c.45G>A on transcript NM_005002.5 (MANE Select); coding-DNA position 45, G replaced by A.
Protein change: p.Met15Ile; replaces methionine 15 with isoleucine.
Molecular consequence: missense variant.
Genome position (GRCh38, 1-based): chr12:4,649,171, G>A. VCF-style: chr12-4649171-G-A. GRCh37 (hg19) VCF-style: chr12-4758337-G-A.
Other names: short protein forms M15I.
Identifiers: ClinVar variation 4711768 (VCV004711768.1).